The following is an entry in ClinVar:

ClinVar aggregate classification (germline): Uncertain significance (1 of 4 stars; one submission).

Conditions:
Progressive myoclonic epilepsy type 5. Identifiers: Orphanet 402082, MedGen C5190799.

Submission:

Labcorp Genetics (formerly Invitae), Labcorp
Classification: Uncertain significance for Progressive myoclonic epilepsy type 5. Last evaluated: 2019-07-01. Review status: criteria provided, single submitter. Criteria: Invitae Variant Classification Sherloc (09022015). Collection method: clinical testing. Allele origin: germline.
Comment: This sequence change replaces lysine with arginine at codon 218 of the PRICKLE2 protein (p.Lys218Arg). The lysine residue is highly conserved and there is a small physicochemical difference between lysine and arginine. This variant is not present in population databases (ExAC no frequency). This variant has not been reported in the literature in individuals with PRICKLE2-related conditions. Algorithms developed to predict the effect of missense changes on protein structure and function output the following: SIFT: Tolerated; PolyPhen-2: Benign; Align-GVGD: Class C0. The arginine amino acid residue is found in multiple mammalian species, suggesting that this missense change does not adversely affect protein function. These predictions have not been confirmed by published functional studies and their clinical significance is uncertain. In summary, the available evidence is currently insufficient to determine the role of this variant in disease. Therefore, it has been classified as a Variant of Uncertain Significance.

NM_198859.4(PRICKLE2):c.653A>G (p.Lys218Arg)

Gene: PRICKLE2 (prickle planar cell polarity protein 2; minus strand). Cytogenetic location: 3p14.1.
Variant type: single nucleotide variant.
Coding change: c.653A>G on transcript NM_198859.4 (MANE Select); coding-DNA position 653, A replaced by G.
Protein change: p.Lys218Arg; replaces lysine 218 with arginine.
Molecular consequence: missense variant.
Genome position (GRCh38, 1-based): chr3:64,153,316, T>C on the plus strand (A>G on the coding strand, the complement: PRICKLE2 is on the minus strand). VCF-style: chr3-64153316-T-C. GRCh37 (hg19) VCF-style: chr3-64138992-T-C.
Other names: c.653A>G, p.Lys218Arg (NM_001370528.1); short protein forms K218R.
Identifiers: ClinVar variation 948807 (VCV000948807.2), dbSNP rs2077576224, ClinGen allele CA353433979.